The following is an entry in ClinVar:

ClinVar aggregate classification (germline): Likely pathogenic (1 of 4 stars; one submission).

Conditions:
Dilated cardiomyopathy 1G (CMD1G). Identifiers: Orphanet 154, MedGen C1858763, MONDO:0011400, OMIM 604145.
Autosomal recessive limb-girdle muscular dystrophy type 2J (LGMDR10). Also called: Limb-girdle muscular dystrophy, type 2J; MUSCULAR DYSTROPHY, LIMB-GIRDLE, AUTOSOMAL RECESSIVE 10. Identifiers: Orphanet 140922, MedGen C1837342, MONDO:0012127, OMIM 608807.

Submission:

Labcorp Genetics (formerly Invitae), Labcorp
Classification: Likely pathogenic for Dilated cardiomyopathy 1G; Autosomal recessive limb-girdle muscular dystrophy type 2J. Last evaluated: 2019-07-30. Review status: criteria provided, single submitter. Criteria: Invitae Variant Classification Sherloc (09022015). Collection method: clinical testing. Allele origin: germline.
Comment: This variant is located in the A band of TTN (PMID: 25589632). Truncating variants in this region are significantly overrepresented in patients affected with dilated cardiomyopathy (PMID: 25589632). Truncating variants in this region have also been reported in individuals affected with autosomal recessive centronuclear myopathy (PMID: 23975875). This variant has not been reported in the literature in individuals with TTN-related disease. This variant is not present in population databases (ExAC no frequency). This sequence change results in a premature translational stop signal in the TTN gene (p.Phe29669Serfs*10). While this is not anticipated to result in nonsense mediated decay, it is expected to create a truncated TTN protein. In summary, the currently available evidence indicates that the variant is pathogenic, but additional data are needed to prove that conclusively. Therefore, this variant has been classified as Likely Pathogenic.

Literature cited by the submitters: PubMed 25589632; PubMed 23975875.

NM_001267550.2(TTN):c.89006del (p.Phe29669fs)

Genes: TTN (titin; minus strand), TTN-AS1 (TTN antisense RNA 1; plus strand). Cytogenetic location: 2q31.2.
Variant type: Deletion.
Coding change: c.89006del on transcript NM_001267550.2 (MANE Select); coding-DNA position 89006, one base deleted (T; older notation c.89006delT).
Protein change: p.Phe29669fs; shifts the reading frame from phenylalanine 29669.
Molecular consequence: frameshift variant.
Genome position (GRCh38, 1-based): chr2:178,554,105, A deleted on the plus strand (T on the coding strand, the reverse complement: TTN is on the minus strand); the first of 3 consecutive A bases (chr2:178,554,105-178,554,107); deleting any one gives the same sequence. VCF-style (leftmost placement, unchanged base first): chr2-178554104-GA-G. GRCh37 (hg19) VCF-style: chr2-179418831-GA-G.
Other names: c.89006delT (NM_001267550.2); c.84083del, p.Phe28028fs (NM_001256850.1); c.61811del, p.Phe20604fs (NM_003319.4); c.81302del, p.Phe27101fs (NM_133378.4); c.62186del, p.Phe20729fs (NM_133432.3); c.62387del, p.Phe20796fs (NM_133437.4); short protein forms F20729fs, F27101fs, F28028fs, F29669fs, F20604fs, F20796fs.
Identifiers: ClinVar variation 657678 (VCV000657678.11), dbSNP rs794729361, ClinGen allele CA915942184.